The following is an entry in ClinVar:

NM_022482.5(GZF1):c.1122G>C (p.Glu374Asp)

Gene: GZF1 (GDNF inducible zinc finger protein 1; plus strand). Cytogenetic location: 20p11.21.
Variant type: single nucleotide variant.
Coding change: c.1122G>C on transcript NM_022482.5 (MANE Select); coding-DNA position 1122, G replaced by C.
Protein change: p.Glu374Asp; replaces glutamic acid 374 with aspartic acid.
Molecular consequence: missense variant.
Genome position (GRCh38, 1-based): chr20:23,365,505, G>C. VCF-style: chr20-23365505-G-C. GRCh37 (hg19) VCF-style: chr20-23346142-G-C.
Other names: c.1122G>C, p.Glu374Asp (NM_001317012.2, NM_001317019.1); short protein forms E374D.
Identifiers: ClinVar variation 1981441 (VCV001981441.4), dbSNP rs368292290, ClinGen allele CA408411093.

ClinVar aggregate classification (germline): Uncertain significance (1 of 4 stars; one submission).

gnomAD v4.1: 3 of 1,613,826 alleles (0.00019%); highest among the groups gnomAD compares: Admixed American, 0.005%; no homozygotes.

Submission:

Labcorp Genetics (formerly Invitae), Labcorp
Classification: Uncertain significance. Last evaluated: 2022-03-26. Review status: criteria provided, single submitter. Criteria: Invitae Variant Classification Sherloc (09022015). Collection method: clinical testing. Allele origin: germline.
Comment: This variant has not been reported in the literature in individuals affected with GZF1-related conditions. This variant is not present in population databases (gnomAD no frequency). This sequence change replaces glutamic acid, which is acidic and polar, with aspartic acid, which is acidic and polar, at codon 374 of the GZF1 protein (p.Glu374Asp). Algorithms developed to predict the effect of missense changes on protein structure and function are either unavailable or do not agree on the potential impact of this missense change (SIFT: "Not Available"; PolyPhen-2: "Probably Damaging"; Align-GVGD: "Not Available"). In summary, the available evidence is currently insufficient to determine the role of this variant in disease. Therefore, it has been classified as a Variant of Uncertain Significance.